The following is an entry in ClinVar:

ClinVar aggregate classification (germline): Uncertain significance. Review status: criteria provided, multiple submitters, no conflicts (2 of 4 stars). 2 submissions from 2 submitters: Uncertain significance (2). Last evaluated 2023-02-13.

Conditions:
Catecholaminergic polymorphic ventricular tachycardia 1. Also called: VENTRICULAR TACHYCARDIA, CATECHOLAMINERGIC POLYMORPHIC, 1, WITH OR WITHOUT ATRIAL DYSFUNCTION AND/OR DILATED CARDIOMYOPATHY; RYR2-Related Catecholaminergic Polymorphic Ventricular Tachycardia; VENTRICULAR TACHYCARDIA, STRESS-INDUCED POLYMORPHIC 1. Identifiers: Orphanet 3286, MedGen C1631597, MONDO:0011484, OMIM 604772.

Allele frequency attached by ClinVar (database versions not stated): TOPMed below 0.00001; gnomAD 0.00001.
gnomAD v4.1: 1 of 1,613,938 alleles (0.000062%); highest among the groups gnomAD compares: Admixed American, 0.0017%; no homozygotes.

Submissions (2):

GeneDx
Classification: Uncertain significance. Last evaluated: 2023-02-13. Review status: criteria provided, single submitter. Criteria: GeneDx Variant Classification Process June 2021. Collection method: clinical testing. Allele origin: germline. Affected: yes.
Comment: Not observed at significant frequency in large population cohorts (gnomAD); In silico analysis supports that this missense variant does not alter protein structure/function; Has not been previously published as pathogenic or benign to our knowledge

Labcorp Genetics (formerly Invitae), Labcorp
Classification: Uncertain significance for Catecholaminergic polymorphic ventricular tachycardia 1. Last evaluated: 2020-06-21. Review status: criteria provided, single submitter. Criteria: Invitae Variant Classification Sherloc (09022015). Collection method: clinical testing. Allele origin: germline.
Comment: In summary, the available evidence is currently insufficient to determine the role of this variant in disease. Therefore, it has been classified as a Variant of Uncertain Significance. Algorithms developed to predict the effect of missense changes on protein structure and function are either unavailable or do not agree on the potential impact of this missense change (SIFT: "Deleterious"; PolyPhen-2: "Benign"; Align-GVGD: "Class C65"). This variant has not been reported in the literature in individuals with RYR2-related conditions. This sequence change replaces leucine with proline at codon 1804 of the RYR2 protein (p.Leu1804Pro). The leucine residue is highly conserved and there is a moderate physicochemical difference between leucine and proline. This variant is not present in population databases (ExAC no frequency).

NM_001035.3(RYR2):c.5411T>C (p.Leu1804Pro)

Gene: RYR2 (ryanodine receptor 2; plus strand). Cytogenetic location: 1q43.
Variant type: single nucleotide variant.
Coding change: c.5411T>C on transcript NM_001035.3 (MANE Select); coding-DNA position 5411, T replaced by C.
Protein change: p.Leu1804Pro; replaces leucine 1804 with proline.
Molecular consequence: missense variant.
Genome position (GRCh38, 1-based): chr1:237,614,539, T>C. VCF-style: chr1-237614539-T-C. GRCh37 (hg19) VCF-style: chr1-237777839-T-C.
Other names: c.5411T>C (NM_001035.2); short protein forms L1804P.
Identifiers: ClinVar variation 1060462 (VCV001060462.11), dbSNP rs1411508789, ClinGen allele CA345404975.
Genomic context (GRCh38, chr1:237,614,539, plus strand): 5'-TGGACATCCTCAAGTCCAAAACCATACAGATGCTGACAGAAGCTGTTAAAGAGGGCAGTC[T>C]TCATGCCCGGGACCCAGTTGGAGGGACTACTGAATTCCTCTTTGTACCTCTCATCAAGCT-3'
Protein context (NP_001026.2, residues 1794-1814): MLTEAVKEGS[Leu1804Pro]HARDPVGGTT